The following is an entry in ClinVar:

ClinVar aggregate classification (germline): Uncertain significance (1 of 4 stars; one submission).

Conditions:
Dilated cardiomyopathy 1O (CMD1O). Also called: CARDIOMYOPATHY, DILATED, WITH VENTRICULAR TACHYCARDIA. Identifiers: Orphanet 154, MedGen C1837839, MONDO:0012062, OMIM 608569.

Submission:

Labcorp Genetics (formerly Invitae), Labcorp
Classification: Uncertain significance for Dilated cardiomyopathy 1O. Last evaluated: 2020-08-26. Review status: criteria provided, single submitter. Criteria: Invitae Variant Classification Sherloc (09022015). Collection method: clinical testing. Allele origin: germline.
Comment: This variant has not been reported in the literature in individuals with ABCC9-related conditions. In summary, the available evidence is currently insufficient to determine the role of this variant in disease. Therefore, it has been classified as a Variant of Uncertain Significance. Algorithms developed to predict the effect of missense changes on protein structure and function (SIFT, PolyPhen-2, Align-GVGD) all suggest that this variant is likely to be tolerated, but these predictions have not been confirmed by published functional studies and their clinical significance is uncertain. This variant is not present in population databases (ExAC no frequency). This sequence change replaces valine with leucine at codon 1507 of the ABCC9 protein (p.Val1507Leu). The valine residue is moderately conserved and there is a small physicochemical difference between valine and leucine.

NM_020297.4(ABCC9):c.4512+693G>C

Genes: ABCC9 (ATP binding cassette subfamily C member 9; minus strand), KCNJ8-AS1 (KCNJ8 antisense RNA 1; plus strand). Cytogenetic location: 12p12.1.
Variant type: single nucleotide variant.
Coding change: c.4512+693G>C on transcript NM_020297.4 (MANE Select); 693 bases into the intron after coding-DNA position 4512, G replaced by C.
Molecular consequence: intron variant. On other transcripts: missense variant (1).
Genome position (GRCh38, 1-based): chr12:21,805,305, C>G on the plus strand (G>C on the coding strand, the complement: ABCC9 is on the minus strand). VCF-style: chr12-21805305-C-G. GRCh37 (hg19) VCF-style: chr12-21958239-C-G.
Other names: c.4519G>C, p.Val1507Leu (NM_005691.4); c.3645+693G>C (NM_001377274.1); c.4512+693G>C (NM_001377273.1); short protein forms V1507L.
Identifiers: ClinVar variation 1054104 (VCV001054104.9), dbSNP rs876657737, ClinGen allele CA384129658.